The following is an entry in ClinVar:

ClinVar aggregate classification (germline): Uncertain significance (1 of 4 stars; one submission).

Submission:

Women's Health and Genetics/Laboratory Corporation of America, LabCorp
Classification: Uncertain significance. Last evaluated: 2023-02-02. Review status: criteria provided, single submitter. Criteria: LabCorp Variant Classification Summary - May 2015. Collection method: clinical testing. Allele origin: germline.
Comment: Variant summary: GRIN2B c.1694T>G (p.Met565Arg) results in a non-conservative amino acid change located in the Ionotropic glutamate receptor, C-terminal (IPR001320) of the encoded protein sequence. Four of five in-silico tools predict a damaging effect of the variant on protein function. The variant was absent in 251384 control chromosomes. The available data on variant occurrences in the general population are insufficient to allow any conclusion about variant significance. To our knowledge, no occurrence of c.1694T>G in individuals affected with Mental Retardation, Autosomal Dominant 6 and no experimental evidence demonstrating its impact on protein function have been reported. No clinical diagnostic laboratories have submitted clinical-significance assessments for this variant to ClinVar after 2014. Based on the evidence outlined above, the variant was classified as uncertain significance.

NM_000834.5(GRIN2B):c.1694T>G (p.Met565Arg)

Gene: GRIN2B (glutamate ionotropic receptor NMDA type subunit 2B; minus strand). Cytogenetic location: 12p13.1.
Variant type: single nucleotide variant.
Coding change: c.1694T>G on transcript NM_000834.5 (MANE Select); coding-DNA position 1694, T replaced by G.
Protein change: p.Met565Arg; replaces methionine 565 with arginine.
Molecular consequence: missense variant.
Genome position (GRCh38, 1-based): chr12:13,611,811, A>C on the plus strand (T>G on the coding strand, the complement: GRIN2B is on the minus strand). VCF-style: chr12-13611811-A-C. GRCh37 (hg19) VCF-style: chr12-13764745-A-C.
Other names: c.1694T>G, p.Met565Arg (NM_001413992.1); c.1694T>G (NM_000834.3); short protein forms M565R.
Identifiers: ClinVar variation 2445818 (VCV002445818.1), dbSNP rs2497590482, ClinGen allele CA384051558.